The following is an entry in ClinVar:

NM_152328.5(ADSS1):c.193-5138_193-5113del

Gene: ADSS1 (adenylosuccinate synthase 1; plus strand). Cytogenetic location: 14q32.33.
Variant type: Deletion.
Coding change: c.193-5138_193-5113del on transcript NM_152328.5 (MANE Select); 5138 bases into the intron before coding-DNA position 193 through 5113 bases into the intron before coding-DNA position 193, 26 bases deleted (GTGGCGTCGGCATGGTGGGGAGGAGC).
Molecular consequence: intron variant. On other transcripts: 5 prime UTR variant (1), frameshift variant (1), initiator codon variant (1).
Genome position (GRCh38, 1-based): chr14:104,729,882-104,729,907, GTGGCGTCGGCATGGTGGGGAGGAGC deleted; deleting any 26 consecutive bases within chr14:104,729,870-104,729,907 gives the same sequence; the c. name uses the placement nearest the transcript's 3' end. VCF-style (leftmost placement, unchanged base first): chr14-104729869-CGTGGGGAGGAGCGTGGCGTCGGCATG-C. GRCh37 (hg19) VCF-style: chr14-105196206-CGTGGGGAGGAGCGTGGCGTCGGCATG-C.
Other names: c.-738_-713del (NM_001320424.1); c.-11_15del, p.Met1fs (NM_199165.2); short protein forms M1fs.
Identifiers: ClinVar variation 1681871 (VCV001681871.5), dbSNP rs748473073, ClinGen allele CA703393284.

ClinVar aggregate classification (germline): Uncertain significance. Review status: criteria provided, multiple submitters, no conflicts (2 of 4 stars). 2 submissions from 2 submitters: Uncertain significance (2). Last evaluated 2022-10-17.

Submissions (2):

Labcorp Genetics (formerly Invitae), Labcorp
Classification: Uncertain significance. Last evaluated: 2022-10-17. Review status: criteria provided, single submitter. Criteria: Invitae Variant Classification Sherloc (09022015). Collection method: clinical testing. Allele origin: germline.
Comment: This sequence change affects the initiator methionine of the ADSSL1 mRNA. The next in-frame methionine is located at codon 249. This variant is not present in population databases (gnomAD no frequency). This variant has not been reported in the literature in individuals affected with ADSSL1-related conditions. ClinVar contains an entry for this variant (Variation ID: 1681871). Experimental studies and prediction algorithms are not available or were not evaluated, and the functional significance of this variant is currently unknown. Algorithms developed to predict the effect of sequence changes on RNA splicing suggest that this variant may disrupt the consensus splice site. In summary, the available evidence is currently insufficient to determine the role of this variant in disease. Therefore, it has been classified as a Variant of Uncertain Significance.

Breakthrough Genomics
Classification: Uncertain significance. Review status: criteria provided, single submitter. Criteria: ACMG Guidelines, 2015. Collection method: not provided. Allele origin: germline. Inheritance: Autosomal recessive inheritance. Affected: yes.